The following is an entry in ClinVar:

ClinVar aggregate classification (germline): Uncertain significance (1 of 4 stars; one submission).

Conditions:
BBS4-related disorder. Also called: BBS4-related condition.

gnomAD v4.1: 6 of 1,613,974 alleles (0.00037%); highest among the groups gnomAD compares: African/African-American, 0.008%; no homozygotes.

Submission:

PreventionGenetics, part of Exact Sciences
Classification: Uncertain significance for BBS4-related condition. Last evaluated: 2025-09-04. Review status: criteria provided, single submitter. Criteria: ACMG Guidelines, 2015. Collection method: clinical testing. Allele origin: germline.
Comment: The BBS4 c.770C>T variant is predicted to result in the amino acid substitution p.Thr257Ile. To our knowledge, this variant has not been reported in the literature. This variant is reported in 0.023% of alleles in individuals of African descent in gnomAD. At this time, the clinical significance of this variant is uncertain due to the absence of conclusive functional and genetic evidence.

NM_033028.5(BBS4):c.770C>T (p.Thr257Ile)

Gene: BBS4 (Bardet-Biedl syndrome 4; plus strand). Cytogenetic location: 15q24.1.
Variant type: single nucleotide variant.
Coding change: c.770C>T on transcript NM_033028.5 (MANE Select); coding-DNA position 770, C replaced by T.
Protein change: p.Thr257Ile; replaces threonine 257 with isoleucine.
Molecular consequence: missense variant. On other transcripts: non-coding transcript variant (2).
Genome position (GRCh38, 1-based): chr15:72,731,363, C>T. VCF-style: chr15-72731363-C-T. GRCh37 (hg19) VCF-style: chr15-73023704-C-T.
Other names: c.254C>T, p.Thr85Ile (NM_001252678.2); c.701C>T, p.Thr234Ile (NM_001320665.2); short protein forms T234I, T257I, T85I.
Identifiers: ClinVar variation 4989382 (VCV004989382.1).